The following is an entry in ClinVar:

NM_000271.5(NPC1):c.1089G>T (p.Ala363=)

Gene: NPC1 (NPC intracellular cholesterol transporter 1; minus strand). Cytogenetic location: 18q11.2.
Variant type: single nucleotide variant.
Coding change: c.1089G>T on transcript NM_000271.5 (MANE Select); coding-DNA position 1089, G replaced by T.
Protein change: p.Ala363=; no amino-acid change (alanine 363 retained).
Molecular consequence: synonymous variant.
Genome position (GRCh38, 1-based): chr18:23,556,480, C>A on the plus strand (G>T on the coding strand, the complement: NPC1 is on the minus strand). VCF-style: chr18-23556480-C-A. GRCh37 (hg19) VCF-style: chr18-21136444-C-A.
Other names: c.1089G>T (NM_000271.4).
Identifiers: ClinVar variation 992158 (VCV000992158.11), dbSNP rs901122746, ClinGen allele CA297069609.

ClinVar aggregate classification (germline): Likely benign. Review status: criteria provided, single submitter (1 of 4 stars). 3 submissions from 3 submitters: Likely benign (1). 2 of the submissions do not count toward it. Last evaluated 2026-01-06.

Conditions:
NPC1-related disorder. Also called: NPC1-related condition.
Niemann-Pick disease, type C1. Also called: NIEMANN-PICK DISEASE, VARIANT TYPE C1; NEUROVISCERAL STORAGE DISEASE WITH VERTICAL SUPRANUCLEAR OPHTHALMOPLEGIA; NIEMANN-PICK DISEASE WITH CHOLESTEROL ESTERIFICATION BLOCK; NIEMANN-PICK DISEASE WITHOUT SPHINGOMYELINASE DEFICIENCY; NIEMANN-PICK DISEASE, CHRONIC NEURONOPATHIC FORM. Identifiers: Orphanet 646, MedGen C3179455, MONDO:0009757, OMIM 257220.

Allele frequency attached by ClinVar (database versions not stated): TOPMed 0.00002.
gnomAD v4.1: 10 of 1,613,998 alleles (0.00062%); highest among the groups gnomAD compares: Admixed American, 0.01%; no homozygotes.

Submissions (3):

Labcorp Genetics (formerly Invitae), Labcorp
Classification: Likely benign for Niemann-Pick disease, type C1. Last evaluated: 2026-01-06. Review status: criteria provided, single submitter. Criteria: Invitae Variant Classification Sherloc (09022015). Collection method: clinical testing. Allele origin: germline.

PreventionGenetics, part of Exact Sciences
Classification: Likely benign for NPC1-related condition. Last evaluated: 2022-06-02. Review status: no assertion criteria provided. Collection method: clinical testing. Allele origin: germline. Not counted in ClinVar's aggregate classification.
Comment: This variant is classified as likely benign based on ACMG/AMP sequence variant interpretation guidelines (Richards et al. 2015 PMID: 25741868, with internal and published modifications).

Natera, Inc.
Classification: Uncertain significance for Niemann-Pick disease type C1. Last evaluated: 2020-09-04. Review status: no assertion criteria provided. Collection method: clinical testing. Allele origin: germline. Not counted in ClinVar's aggregate classification.